The following is an entry in ClinVar:

NM_006397.3(RNASEH2A):c.637+13G>A

Gene: RNASEH2A (ribonuclease H2 subunit A; plus strand). Cytogenetic location: 19p13.13.
Variant type: single nucleotide variant.
Coding change: c.637+13G>A on transcript NM_006397.3 (MANE Select); 13 bases into the intron after coding-DNA position 637, G replaced by A.
Molecular consequence: intron variant.
Genome position (GRCh38, 1-based): chr19:12,810,417, G>A. VCF-style: chr19-12810417-G-A. GRCh37 (hg19) VCF-style: chr19-12921231-G-A.
Identifiers: ClinVar variation 328293 (VCV000328293.18), dbSNP rs73503453, ClinGen allele CA9231976.
Genomic context (GRCh38, chr19:12,810,417, plus strand): 5'-AGAAACTGCAGGACTTGGATACTGATTATGGCTCAGGCTACCCCAATGGTGAGCAGACAC[G>A]TGACCATGGTACTAATGTTGAAATGGCCAGGGCTGAGCACACTTCTGAGGTTTTCTTTTT-3'

ClinVar aggregate classification (germline): Benign. Review status: criteria provided, multiple submitters, no conflicts (2 of 4 stars). 5 submissions from 5 submitters: Benign (5). Last evaluated 2026-02-03.

Conditions:
Aicardi-Goutieres syndrome 4. Identifiers: Orphanet 51, MedGen C1835912, MONDO:0012472, OMIM 610333.

Allele frequency attached by ClinVar (database versions not stated): ExAC 0.01656; gnomAD 0.05251 and 0.05671; 1000 Genomes Project 0.05591; TOPMed 0.05906; 1000 Genomes Project 30x 0.06012; ESP Exome Variant Server 0.06205.
gnomAD v4.1: 15,666 of 1,608,616 alleles (0.97%); highest among the groups gnomAD compares: African/African-American, 19%; 1,384 homozygotes.

Submissions (5):

Labcorp Genetics (formerly Invitae), Labcorp
Classification: Benign for Aicardi-Goutieres syndrome 4. Last evaluated: 2026-02-03. Review status: criteria provided, single submitter. Criteria: Invitae Variant Classification Sherloc (09022015). Collection method: clinical testing. Allele origin: germline.

Women's Health and Genetics/Laboratory Corporation of America, LabCorp
Classification: Benign. Last evaluated: 2026-01-21. Review status: criteria provided, single submitter. Criteria: LabCorp Variant Classification Summary - May 2015. Collection method: clinical testing. Allele origin: germline.

GeneDx
Classification: Benign. Last evaluated: 2018-11-01. Review status: criteria provided, single submitter. Criteria: GeneDx Variant Classification Process June 2021. Collection method: clinical testing. Allele origin: germline. Affected: yes.

Illumina Laboratory Services, Illumina
Classification: Benign for Aicardi-Goutieres syndrome 4. Last evaluated: 2018-01-13. Review status: criteria provided, single submitter. Criteria: ICSL Variant Classification Criteria 13 December 2019. Collection method: clinical testing. Allele origin: germline.
Comment: This variant was observed in the ICSL laboratory as part of a predisposition screen in an ostensibly healthy population. It had not been previously curated by ICSL or reported in the Human Gene Mutation Database (HGMD: prior to June 1st, 2018), and was therefore a candidate for classification through an automated scoring system. Utilizing variant allele frequency, disease prevalence and penetrance estimates, and inheritance mode, an automated score was calculated to assess if this variant is too frequent to cause the disease. Based on the score and internal cut-off values, a variant classified as benign is not then subjected to further curation. The score for this variant resulted in a classification of benign for this disease.

Breakthrough Genomics
Classification: Benign. Review status: criteria provided, single submitter. Criteria: ACMG Guidelines, 2015. Collection method: not provided. Allele origin: germline. Inheritance: Autosomal recessive inheritance. Affected: yes.